The following is an entry in ClinVar:

ClinVar aggregate classification (germline): Likely pathogenic. Review status: criteria provided, multiple submitters, no conflicts (2 of 4 stars). 3 submissions from 3 submitters: Likely pathogenic (2). 1 of the submissions does not count toward it. Last evaluated 2024-12-06.

Conditions:
MHC class II deficiency 1 (MHC2D1). Also called: BARE LYMPHOCYTE SYNDROME, TYPE II, COMPLEMENTATION GROUP A; Bare lymphocyte syndrome type 2, complementation group A; SCID, HLA CLASS II-NEGATIVE. Identifiers: MedGen C1859534, MONDO:0971005, OMIM 209920.
CIITA-related disorder. Also called: CIITA-related condition.
MHC class II deficiency. Also called: BLS, TYPE II; Bare lymphocyte syndrome 2. Identifiers: Orphanet 572, MedGen C5447452, MONDO:0008855.

Allele frequency attached by ClinVar (database versions not stated): gnomAD exomes below 0.00001 and 0.00001; ExAC 0.00001; gnomAD 0.00001.
gnomAD v4.1: 6 of 1,613,856 alleles (0.00037%); highest among the groups gnomAD compares: East Asian, 0.0022%; no homozygotes.

Submissions (3):

PreventionGenetics, part of Exact Sciences
Classification: Likely pathogenic for CIITA-related condition. Last evaluated: 2024-12-06. Review status: criteria provided, single submitter. Criteria: ACMG Guidelines, 2015. Collection method: clinical testing. Allele origin: germline.
Comment: The CIITA c.3317+1G>A variant is predicted to disrupt the GT donor site and interfere with normal splicing. This variant has been reported, along with a nonsense variant in CIITA, in an individual with MHC class II (MHCII) deficiency complementation group A or Bare lymphocyte syndrome (BLS) (Bontron et al. 1997. PubMed ID: 9099848) and was reported in the homozygous state in an individual with features of MHCII deficiency plus Mycobacterium avium complex and Xq28 microdeletion with mild intellectual disability (Dimitrova et al. 2014. PubMed ID: 24789686). This variant is reported in 0.020% of alleles in individuals of East Asian descent in gnomAD. This variant is interpreted as likely pathogenic.

Natera, Inc.
Classification: Likely pathogenic for Bare lymphocyte syndrome type II. Last evaluated: 2024-12-04. Review status: criteria provided, single submitter. Criteria: Natera Variant Classification Schema (03/2026). Collection method: clinical testing. Allele origin: germline.
Comment: The c.3317+1G>A variant in CIITA is a canonical splice donor site variant predicted to affect pre-mRNA splicing, which may result in an abnormal transcript and altered protein product. This variant may result in a truncated or dysfunctional protein product. This variant is rare in the general population with a frequency below the threshold expected for the associated phenotype(s). This variant has been observed in one or more individuals affected with the associated recessive disease, as either homozygous or compound heterozygous with a second variant (PMID: 24789686, 38996837). Functional studies show that this variant may disrupt protein function (PMID: 24789686). Given the available evidence, this variant is classified as Likely Pathogenic.

OMIM
Classification: Pathogenic for MHC CLASS II DEFICIENCY 1. Last evaluated: 1997-04-01. Review status: no assertion criteria provided. Collection method: literature only. Allele origin: germline. Not counted in ClinVar's aggregate classification.

Literature cited by the submitters: PubMed 24789686 (cited by Natera, Inc.); PubMed 38996837 (cited by Natera, Inc.); PubMed 9099848 (cited by OMIM).

NM_000246.4(CIITA):c.3317+1G>A

Gene: CIITA (class II major histocompatibility complex transactivator; plus strand). Cytogenetic location: 16p13.13.
Variant type: single nucleotide variant.
Coding change: c.3317+1G>A on transcript NM_000246.4 (MANE Select); the canonical splice donor site of the intron after coding-DNA position 3317, G replaced by A.
Molecular consequence: splice donor variant.
Genome position (GRCh38, 1-based): chr16:10,922,491, G>A. VCF-style: chr16-10922491-G-A. GRCh37 (hg19) VCF-style: chr16-11016348-G-A.
Other names: IVS18DS, G-A, +1; c.3234_3317del84 (NM_000246.3); c.3317+1G>A (NM_000246.3, NM_001379333.1); c.3320+1G>A (NM_001286402.1, NM_001379332.1); c.3173+1G>A (NM_001379330.1); c.3170+1G>A (NM_001379331.1); c.1565+1G>A (NM_001286403.2); c.3248+1G>A (NM_001379334.1).
Identifiers: ClinVar variation 9542 (VCV000009542.4), dbSNP rs771073292, ClinGen allele CA212922.
Genomic context (GRCh38, chr16:10,922,491, plus strand): 5'-TGCCGGGGCCCAGCAGCTCGCTGCCAGCCTTCGGAGGTGTCCTCATGTGGAGACGCTGGC[G>A]TAAGTCCAGGCAACCCTGGTGGGTGGAGAACAACTCACTCCCCAGGCGTGTGGCCCAGTG-3'